The following is an entry in ClinVar:

NM_001173990.3(TMEM216):c.137-2A>C

Gene: TMEM216 (transmembrane protein 216; plus strand). Cytogenetic location: 11q12.2.
Variant type: single nucleotide variant.
Coding change: c.137-2A>C on transcript NM_001173990.3 (MANE Select); the canonical splice acceptor site of the intron before coding-DNA position 137, A replaced by C.
Molecular consequence: splice acceptor variant.
Genome position (GRCh38, 1-based): chr11:61,393,882, A>C. VCF-style: chr11-61393882-A-C. GRCh37 (hg19) VCF-style: chr11-61161354-A-C.
Other names: c.-47-2A>C (NM_016499.6, NM_001330285.2); c.137-2A>C (NM_001173991.3).
Identifiers: ClinVar variation 2828378 (VCV002828378.3), dbSNP rs1858735439, ClinGen allele CA380685015.
Genomic context (GRCh38, chr11:61,393,882, plus strand): 5'-TGTGGCAGTTCTTGTGGGTGCTGTTATATGCTGTTTGCAAACTCTGGCTTTTGTATTGGC[A>C]GGTGTCCTGCTACCATATCCAACAGCTAACCTAGTACTGGATGTGGTGATGCTCCTCCTT-3'

ClinVar aggregate classification (germline): Likely pathogenic (1 of 4 stars; one submission).

Conditions:
Joubert syndrome. Also called: CEREBELLOPARENCHYMAL DISORDER IV; JOUBERT-BOLTSHAUSER SYNDROME; Familial aplasia of the vermis. Identifiers: Orphanet 475, MedGen C5979921, MONDO:0018772.

Submission:

Labcorp Genetics (formerly Invitae), Labcorp
Classification: Likely pathogenic for Joubert syndrome. Last evaluated: 2023-01-23. Review status: criteria provided, single submitter. Criteria: Invitae Variant Classification Sherloc (09022015). Collection method: clinical testing. Allele origin: germline.
Comment: In summary, the currently available evidence indicates that the variant is pathogenic, but additional data are needed to prove that conclusively. Therefore, this variant has been classified as Likely Pathogenic. Algorithms developed to predict the effect of sequence changes on RNA splicing suggest that this variant may disrupt the consensus splice site. This variant has not been reported in the literature in individuals affected with TMEM216-related conditions. This variant is not present in population databases (gnomAD no frequency). This sequence change affects an acceptor splice site in intron 2 of the TMEM216 gene. It is expected to disrupt RNA splicing. Variants that disrupt the donor or acceptor splice site typically lead to a loss of protein function (PMID: 16199547), and loss-of-function variants in TMEM216 are known to be pathogenic (PMID: 20512146).

Literature cited by the submitters: PubMed 16199547; PubMed 20512146.